The following is an entry in ClinVar:

ClinVar aggregate classification (germline): Likely pathogenic (1 of 4 stars; one submission).

Submission:

Labcorp Genetics (formerly Invitae), Labcorp
Classification: Likely pathogenic. Last evaluated: 2022-05-31. Review status: criteria provided, single submitter. Criteria: Invitae Variant Classification Sherloc (09022015). Collection method: clinical testing. Allele origin: germline.
Comment: This variant results in the deletion of part of exon 2 (c.299_346+35delinsCTG) of the LRPPRC gene. It is expected to disrupt RNA splicing. Variants that disrupt the donor or acceptor splice site typically lead to a loss of protein function (PMID: 16199547), and loss-of-function variants in LRPPRC are known to be pathogenic (PMID: 26510951). This variant is not present in population databases (gnomAD no frequency). This variant has not been reported in the literature in individuals affected with LRPPRC-related conditions. In summary, the currently available evidence indicates that the variant is pathogenic, but additional data are needed to prove that conclusively. Therefore, this variant has been classified as Likely Pathogenic.

Literature cited by the submitters: PubMed 16199547; PubMed 26510951.

NM_133259.4(LRPPRC):c.299_346+35delinsCTG

Gene: LRPPRC (leucine rich pentatricopeptide repeat containing; minus strand). Cytogenetic location: 2p21.
Variant type: Indel.
Coding change: c.299_346+35delinsCTG on transcript NM_133259.4 (MANE Select); coding-DNA position 299 through 35 bases into the intron after coding-DNA position 346, the reference bases replaced by CTG.
Molecular consequence: splice donor variant.
Genome position (GRCh38, 1-based): chr2:43,982,203-43,982,285, 83 bases replaced. GRCh37 (hg19): chr2:44,209,342-44,209,424.
Identifiers: ClinVar variation 2001389 (VCV002001389.4), dbSNP rs2466694282, ClinGen allele CA2580066514.